The following is an entry in ClinVar:

NM_000693.4(ALDH1A3):c.847_849del (p.Gly283del)

Genes: ALDH1A3 (aldehyde dehydrogenase 1 family member A3; plus strand), ALDH1A3-AS1 (ALDH1A3 antisense RNA 1; minus strand). Cytogenetic location: 15q26.3.
Variant type: Deletion.
Coding change: c.847_849del on transcript NM_000693.4 (MANE Select); coding-DNA positions 847 to 849, 3 bases deleted (GGG; older notation c.847_849delGGG).
Protein change: p.Gly283del; deletes glycine 283.
Molecular consequence: inframe deletion.
Genome position (GRCh38, 1-based): chr15:100,898,149-100,898,151, GGG deleted; deleting any 3 consecutive bases within chr15:100,898,145-100,898,151 gives the same sequence; the c. name uses the placement nearest the transcript's 3' end. VCF-style (leftmost placement, unchanged base first): chr15-100898144-TGGG-T. GRCh37 (hg19) VCF-style: chr15-101438349-TGGG-T.
Other names: c.526_528del, p.Gly176del (NM_001293815.2); short protein forms G176del, G283del.
Identifiers: ClinVar variation 1803000 (VCV001803000.2), dbSNP rs758955164, ClinGen allele CA2580613348.
Genomic context (GRCh38, chr15:100,898,144, plus strand): 5'-TTGGAAAACTGGTTAAAGAAGCTGCGTCCCGGAGCAATCTGAAGCGGGTGACGCTGGAGC[TGGG>T]GGGGAAGAACCCCTGCATCGTGTGTGCGGACGCTGACTGTGAGTCTCTGCCCTCCTGGGC-3'

ClinVar aggregate classification (germline): Uncertain significance (1 of 4 stars; one submission).

Conditions:
Isolated microphthalmia 8. Identifiers: Orphanet 2542, MedGen C3554524, MONDO:0014050, OMIM 615113.

Submission:

Molecular Genetics of Human Eye Development, Oxford Brookes University
Classification: Uncertain significance for Isolated microphthalmia 8. Last evaluated: 2022-09-01. Review status: criteria provided, single submitter. Criteria: ACMG Guidelines, 2015. Collection method: clinical testing. Allele origin: inherited. Affected: yes. Observed: 1 variant allele.
Comment: compound heterozygous with NM_000693.4:c.953C>A